The following is an entry in ClinVar:

ClinVar aggregate classification (germline): Uncertain significance (1 of 4 stars; one submission).

Conditions:
Arterial tortuosity syndrome (ATORS). Identifiers: Orphanet 3342, MedGen C1859726, MONDO:0008818, OMIM 208050.

Submission:

Labcorp Genetics (formerly Invitae), Labcorp
Classification: Uncertain significance for Arterial tortuosity syndrome. Last evaluated: 2022-10-05. Review status: criteria provided, single submitter. Criteria: Invitae Variant Classification Sherloc (09022015). Collection method: clinical testing. Allele origin: germline.
Comment: This sequence change replaces isoleucine, which is neutral and non-polar, with valine, which is neutral and non-polar, at codon 462 of the SLC2A10 protein (p.Ile462Val). This variant is not present in population databases (gnomAD no frequency). This variant has not been reported in the literature in individuals affected with SLC2A10-related conditions. ClinVar contains an entry for this variant (Variation ID: 1518805). Advanced modeling of protein sequence and biophysical properties (such as structural, functional, and spatial information, amino acid conservation, physicochemical variation, residue mobility, and thermodynamic stability) performed at Invitae indicates that this missense variant is not expected to disrupt SLC2A10 protein function. In summary, the available evidence is currently insufficient to determine the role of this variant in disease. Therefore, it has been classified as a Variant of Uncertain Significance.

NM_030777.4(SLC2A10):c.1384A>G (p.Ile462Val)

Gene: SLC2A10 (solute carrier family 2 member 10; plus strand). Cytogenetic location: 20q13.12.
Variant type: single nucleotide variant.
Coding change: c.1384A>G on transcript NM_030777.4 (MANE Select); coding-DNA position 1384, A replaced by G.
Protein change: p.Ile462Val; replaces isoleucine 462 with valine.
Molecular consequence: missense variant.
Genome position (GRCh38, 1-based): chr20:46,726,959, A>G. VCF-style: chr20-46726959-A-G. GRCh37 (hg19) VCF-style: chr20-45355598-A-G.
Other names: short protein forms I462V.
Identifiers: ClinVar variation 1518805 (VCV001518805.8), dbSNP rs545801780, ClinGen allele CA409272155.